The following is an entry in ClinVar:

NM_021930.6(RINT1):c.229C>G (p.Leu77Val)

Gene: RINT1 (RAD50 interactor 1; plus strand). Cytogenetic location: 7q22.3.
Variant type: single nucleotide variant.
Coding change: c.229C>G on transcript NM_021930.6 (MANE Select); coding-DNA position 229, C replaced by G.
Protein change: p.Leu77Val; replaces leucine 77 with valine.
Molecular consequence: missense variant. On other transcripts: 5 prime UTR variant (3), non-coding transcript variant (1), intron variant (1).
Genome position (GRCh38, 1-based): chr7:105,536,705, C>G. VCF-style: chr7-105536705-C-G. GRCh37 (hg19) VCF-style: chr7-105177152-C-G.
Other names: c.-791C>G (NM_001346600.2); c.-694C>G (NM_001346601.2); c.-314C>G (NM_001346603.2); c.39+93C>G (NM_001346599.2); short protein forms L77V.
Identifiers: ClinVar variation 3433600 (VCV003433600.1).

ClinVar aggregate classification (germline): Uncertain significance (1 of 4 stars; one submission).

gnomAD v4.1: 1 of 1,611,022 alleles (0.000062%); highest among the groups gnomAD compares: African/African-American, 0.0013%; no homozygotes.

Submission:

Ambry Genetics
Classification: Uncertain significance. Last evaluated: 2024-08-18. Review status: criteria provided, single submitter. Criteria: Ambry Variant Classification Scheme 2023. Collection method: clinical testing. Allele origin: germline.
Comment: The p.L77V variant (also known as c.229C>G), located in coding exon 3 of the RINT1 gene, results from a C to G substitution at nucleotide position 229. The leucine at codon 77 is replaced by valine, an amino acid with highly similar properties. This amino acid position is conserved. In addition, this alteration is predicted to be tolerated by in silico analysis. Based on the available evidence, the clinical significance of this variant remains unclear.